The following is an entry in ClinVar:

NM_001199013.2(STPG1):c.898G>A (p.Ala300Thr)

Genes: GRHL3 (grainyhead like transcription factor 3; plus strand), STPG1 (sperm tail PG-rich repeat containing 1; minus strand). Cytogenetic location: 1p36.11.
Variant type: single nucleotide variant.
Coding change: c.898G>A on transcript NM_001199013.2 (MANE Select); coding-DNA position 898, G replaced by A.
Protein change: p.Ala300Thr; replaces alanine 300 with threonine.
Molecular consequence: missense variant. On other transcripts: intron variant (1).
Genome position (GRCh38, 1-based): chr1:24,360,881, C>T on the plus strand (G>A on the coding strand, the complement: STPG1 is on the minus strand). VCF-style: chr1-24360881-C-T. GRCh37 (hg19) VCF-style: chr1-24687371-C-T.
Other names: c.898G>A, p.Ala300Thr (NM_001199012.2); c.622G>A, p.Ala208Thr (NM_001199014.2); c.757G>A, p.Ala253Thr (NM_178122.5); c.1695-3304C>T (NM_198174.3); short protein forms A208T, A253T, A300T.
Identifiers: ClinVar variation 3387871 (VCV003387871.14).
Genomic context (GRCh38, chr1:24,360,881, plus strand): 5'-TTTTACAATCATTTAAAACAATCCTCTGACCTGGGCCAGGCAGGCCTGGCTGAGGCGGCG[C>T]CGCTGTCCACCGGCTGGTATTGGACACGAATGATGCACTAGAGATGAAATGCTTGCGGGG-3'
Protein context (NP_001185942.1, residues 290-310): FVSNTSRWTA[Ala300Thr]PPQPGLPGPA

ClinVar aggregate classification (germline): Likely benign (1 of 4 stars; one submission).

gnomAD v4.1: 10,782 of 1,613,472 alleles (0.67%); highest among the groups gnomAD compares: Non-Finnish European, 0.84%; 56 homozygotes.

Submission:

CeGaT Center for Human Genetics Tuebingen
Classification: Likely benign. Last evaluated: 2024-09-01. Review status: criteria provided, single submitter. Criteria: CeGaT Center For Human Genetics Tuebingen Variant Classification Criteria Version 2. Collection method: clinical testing. Allele origin: germline. Affected: yes. Observed: 1 variant allele.
Comment: STPG1: BP4, BS2